The following is an entry in ClinVar:

NM_144508.5(KNL1):c.2369C>G (p.Thr790Ser)

Gene: KNL1 (kinetochore scaffold 1; plus strand). Cytogenetic location: 15q15.1.
Variant type: single nucleotide variant.
Coding change: c.2369C>G on transcript NM_144508.5 (MANE Select); coding-DNA position 2369, C replaced by G.
Protein change: p.Thr790Ser; replaces threonine 790 with serine.
Molecular consequence: missense variant.
Genome position (GRCh38, 1-based): chr15:40,622,633, C>G. VCF-style: chr15-40622633-C-G. GRCh37 (hg19) VCF-style: chr15-40914831-C-G.
Other names: c.2447C>G, p.Thr816Ser (NM_170589.5); short protein forms T816S, T790S.
Identifiers: ClinVar variation 128591 (VCV000128591.9), dbSNP rs33931006, ClinGen allele CA152166.

ClinVar aggregate classification (germline): Benign. Review status: criteria provided, single submitter (1 of 4 stars). 2 submissions from 2 submitters: Benign (1). 1 of the submissions does not count toward it. Last evaluated 2019-08-29.

Allele frequency attached by ClinVar (database versions not stated): 1000 Genomes Project 30x 0.00671; 1000 Genomes Project 0.00719; TOPMed 0.01487; ESP Exome Variant Server 0.01839; gnomAD exomes 0.01841 and 0.02062; ExAC 0.01883.
gnomAD v4.1: 32,041 of 1,597,306 alleles (2%); highest among the groups gnomAD compares: Middle Eastern, 3.5%; 422 homozygotes.

Submissions (2):

GeneDx
Classification: Benign. Last evaluated: 2019-08-29. Review status: criteria provided, single submitter. Criteria: GeneDx Variant Classification Process June 2021. Collection method: clinical testing. Allele origin: germline. Affected: yes.

Genetic Services Laboratory, University of Chicago
Classification: Likely benign for AllHighlyPenetrant. Review status: no assertion criteria provided. Collection method: clinical testing. Allele origin: germline. Inheritance: Autosomal recessive inheritance. Not counted in ClinVar's aggregate classification.
Comment: Likely benign based on allele frequency in 1000 Genomes Project or ESP global frequency and its presence in a patient with a rare or unrelated disease phenotype. NOT Sanger confirmed.